The following is an entry in ClinVar:

NM_015046.7(SETX):c.2153T>A (p.Ile718Asn)

Gene: SETX (senataxin; minus strand). Cytogenetic location: 9q34.13.
Variant type: single nucleotide variant.
Coding change: c.2153T>A on transcript NM_015046.7 (MANE Select); coding-DNA position 2153, T replaced by A.
Protein change: p.Ile718Asn; replaces isoleucine 718 with asparagine.
Molecular consequence: missense variant.
Genome position (GRCh38, 1-based): chr9:132,329,445, A>T on the plus strand (T>A on the coding strand, the complement: SETX is on the minus strand). VCF-style: chr9-132329445-A-T. GRCh37 (hg19) VCF-style: chr9-135204832-A-T.
Other names: c.2153T>A, p.Ile718Asn (NM_001351527.2, NM_001351528.2); short protein forms I718N.
Identifiers: ClinVar variation 4905112 (VCV004905112.2).

ClinVar aggregate classification (germline): Uncertain significance. Review status: criteria provided, multiple submitters, no conflicts (2 of 4 stars). 2 submissions from 2 submitters: Uncertain significance (2). Last evaluated 2026-01-01.

Conditions:
SETX-related disorder. Also called: SETX-related disorders; SETX-related condition. Identifiers: MedGen CN239403.

gnomAD v4.1: 9 of 1,613,162 alleles (0.00056%); highest among the groups gnomAD compares: Admixed American, 0.0083%; no homozygotes.

Submissions (2):

PreventionGenetics, part of Exact Sciences
Classification: Uncertain significance for SETX-related condition. Last evaluated: 2026-01-01. Review status: criteria provided, single submitter. Criteria: ACMG Guidelines, 2015. Collection method: clinical testing. Allele origin: germline.
Comment: The SETX c.2153T>A variant is predicted to result in the amino acid substitution p.Ile718Asn. To our knowledge, this variant has not been reported in the literature. This variant is reported in 0.011% of alleles in individuals of Latino descent in gnomAD. At this time, the clinical significance of this variant is uncertain due to the absence of conclusive functional and genetic evidence.

Blueprint Genetics
Classification: Uncertain significance. Last evaluated: 2021-05-24. Review status: criteria provided, single submitter. Criteria: ACMG Guidelines, 2015. Collection method: clinical testing. Allele origin: germline.